The following is an entry in ClinVar:

ClinVar aggregate classification (germline): Conflicting classifications of pathogenicity. Review status: criteria provided, conflicting classifications (1 of 4 stars). 4 submissions from 4 submitters: Pathogenic (1); Uncertain significance (3). Last evaluated 2025-10-14.

Conditions:
Hereditary cancer-predisposing syndrome. Also called: Tumor predisposition; Hereditary Cancer Syndrome; Hereditary neoplastic syndrome; Neoplastic Syndromes, Hereditary. Identifiers: Orphanet 140162, MedGen C0027672, MeSH D009386, MONDO:0015356.
Lung adenocarcinoma. Also called: Adenocarcinoma of lung; Adenocarcinoma of lung, somatic. Identifiers: MedGen C0152013, MeSH D000077192, MONDO:0005061, HP:0030078.
EGFR-related lung cancer (EGFR). Identifiers: MedGen CN130014.

Allele frequency attached by ClinVar (database versions not stated): gnomAD 0.00001; gnomAD exomes 0.00001 and 0.00002; TOPMed 0.00002; ExAC 0.00003; ESP Exome Variant Server 0.00023.
gnomAD v4.1: 15 of 1,613,634 alleles (0.00093%); highest among the groups gnomAD compares: Non-Finnish European, 0.0012%; no homozygotes.

Submissions (4):

Labcorp Genetics (formerly Invitae), Labcorp
Classification: Uncertain significance for EGFR-related lung cancer. Last evaluated: 2025-10-14. Review status: criteria provided, single submitter. Criteria: Invitae Variant Classification Sherloc (09022015). Collection method: clinical testing. Allele origin: germline.
Comment: This sequence change replaces glutamic acid, which is acidic and polar, with lysine, which is basic and polar, at codon 330 of the EGFR protein (p.Glu330Lys). This variant is present in population databases (rs139429793, gnomAD 0.002%). This missense change has been observed in individual(s) with glioblastoma (PMID: 17177598). ClinVar contains an entry for this variant (Variation ID: 560008). Invitae Evidence Modeling of protein sequence and biophysical properties (such as structural, functional, and spatial information, amino acid conservation, physicochemical variation, residue mobility, and thermodynamic stability) indicates that this missense variant is not expected to disrupt EGFR protein function with a negative predictive value of 80%. Experimental studies have shown that this missense change affects EGFR function (PMID: 24212795). In summary, the available evidence is currently insufficient to determine the role of this variant in disease. Therefore, it has been classified as a Variant of Uncertain Significance.

Ambry Genetics
Classification: Uncertain significance for Hereditary cancer-predisposing syndrome. Last evaluated: 2024-12-11. Review status: criteria provided, single submitter. Criteria: Ambry Variant Classification Scheme 2023. Collection method: clinical testing. Allele origin: germline.
Comment: The p.E330K variant (also known as c.988G>A), located in coding exon 8 of the EGFR gene, results from a G to A substitution at nucleotide position 988. The glutamic acid at codon 330 is replaced by lysine, an amino acid with similar properties. This amino acid position is not well conserved in available vertebrate species. In addition, this alteration is predicted to be tolerated by in silico analysis. Based on the available evidence, the clinical significance of this variant remains unclear

CeGaT Center for Human Genetics Tuebingen
Classification: Uncertain significance. Last evaluated: 2024-07-01. Review status: criteria provided, single submitter. Criteria: CeGaT Center For Human Genetics Tuebingen Variant Classification Criteria Version 2. Collection method: clinical testing. Allele origin: germline. Affected: yes. Observed: 1 variant allele.
Comment: EGFR: PS3:Moderate

3DMed Clinical Laboratory Inc
Classification: Pathogenic for Lung adenocarcinoma. Last evaluated: 2017-11-20. Review status: criteria provided, single submitter. Criteria: ACMG Guidelines, 2015. Collection method: clinical testing. Allele origin: germline. Affected: yes.

Literature cited by the submitters: PubMed 17177598 (cited by Labcorp Genetics (formerly Invitae), Labcorp); PubMed 24212795 (cited by Labcorp Genetics (formerly Invitae), Labcorp and 3DMed Clinical Laboratory Inc).

NM_005228.5(EGFR):c.988G>A (p.Glu330Lys)

Gene: EGFR (epidermal growth factor receptor; plus strand). Cytogenetic location: 7p11.2.
Variant type: single nucleotide variant.
Coding change: c.988G>A on transcript NM_005228.5 (MANE Select); coding-DNA position 988, G replaced by A.
Protein change: p.Glu330Lys; replaces glutamic acid 330 with lysine.
Molecular consequence: missense variant.
Genome position (GRCh38, 1-based): chr7:55,155,928, G>A. VCF-style: chr7-55155928-G-A. GRCh37 (hg19) VCF-style: chr7-55223621-G-A.
Other names: c.853G>A, p.Glu285Lys (NM_001346897.2, NM_001346899.2); c.988G>A, p.Glu330Lys (NM_001346898.2, NM_201282.2, NM_201283.2 and 1 more transcripts); c.829G>A, p.Glu277Lys (NM_001346900.2); c.187G>A, p.Glu63Lys (NM_001346941.2); c.988G>A (NM_005228.3); short protein forms E330K, E63K, E277K, E285K.
Identifiers: ClinVar variation 560008 (VCV000560008.28), dbSNP rs139429793, ClinGen allele CA4265432.